The following is an entry in ClinVar:

NM_003072.5(SMARCA4):c.2918G>A (p.Arg973Gln)

Gene: SMARCA4 (SWI/SNF related BAF chromatin remodeling complex subunit ATPase 4; plus strand). Cytogenetic location: 19p13.2.
Variant type: single nucleotide variant.
Coding change: c.2918G>A on transcript NM_003072.5 (MANE Select); coding-DNA position 2918, G replaced by A.
Protein change: p.Arg973Gln; replaces arginine 973 with glutamine.
Molecular consequence: missense variant. On other transcripts: non-coding transcript variant (1).
Genome position (GRCh38, 1-based): chr19:11,023,576, G>A. VCF-style: chr19-11023576-G-A. GRCh37 (hg19) VCF-style: chr19-11134252-G-A.
Other names: c.2918G>A, p.Arg973Gln (NM_001128845.2, NM_001128846.2, NM_001128847.4 and 6 more transcripts); short protein forms R973Q.
Identifiers: ClinVar variation 2832039 (VCV002832039.4), dbSNP rs2090027331, ClinGen allele CA404057587.
Genomic context (GRCh38, chr19:11,023,576, plus strand): 5'-AGGTGGACCTGAATGAGGAGGAAACCATTCTCATCATCCGGCGTCTCCACAAAGTGCTGC[G>A]GCCCTTCTTGCTCCGACGACTCAAGAAGGAAGTCGAGGCCCAGTTGCCCGAAAAGGTGAT-3'
Protein context (NP_003063.2, residues 963-983): LIIRRLHKVL[Arg973Gln]PFLLRRLKKE

ClinVar aggregate classification (germline): Uncertain significance (1 of 4 stars; one submission).
ClinVar aggregate classification (somatic clinical impact): Tier I - Strong (1 of 4 stars; one submission).

Conditions:
Rhabdoid tumor predisposition syndrome 2 (RTPS2). Identifiers: Orphanet 231108, Orphanet 69077, MedGen C2750074, MONDO:0013224, OMIM 613325.
Medulloblastoma WNT activated. Identifiers: MedGen C4331965, MONDO:0850196.

gnomAD v4.1: 1 of 1,613,512 alleles (0.000062%); no homozygotes.

Submissions (2):

Institute for Genomic Medicine (IGM) Clinical Laboratory, Nationwide Children's Hospital
Classification: Tier I - Strong for Medulloblastoma WNT activated. Assertion type: diagnostic. Clinical significance: supports diagnosis. Last evaluated: 2025-10-10. Review status: criteria provided, single submitter. Criteria: AMP/ASCO/CAP Guidelines, 2017. Collection method: clinical testing. Allele origin: somatic. Affected: yes.
Comment: Variant has Tier I (strong) clinical significance as a diagnostic inclusion criterion in medulloblastoma WNT activated, based on the following evidence: 1) Documented in one or more cancer databases (e.g., St. Jude Pecan, COSMIC, CIViC, OncoKB). 2) Appears in one or more well-established professional guidelines (e.g., World Health Organization [WHO]; National Comprehensive Cancer Network [NCCN]) as providing diagnostic, prognostic, or therapeutic information. 3) Diagnostic for a specific tumor type/classification based on well-powered studies with expert-level consensus (Evidence Level B; PMIDs: 21163964, 28726821, 22820256, 22832583, 22722829).

Labcorp Genetics (formerly Invitae), Labcorp
Classification: Uncertain significance for Rhabdoid tumor predisposition syndrome 2. Last evaluated: 2023-01-26. Review status: criteria provided, single submitter. Criteria: Invitae Variant Classification Sherloc (09022015). Collection method: clinical testing. Allele origin: germline.
Comment: In summary, the available evidence is currently insufficient to determine the role of this variant in disease. Therefore, it has been classified as a Variant of Uncertain Significance. This sequence change replaces arginine, which is basic and polar, with glutamine, which is neutral and polar, at codon 973 of the SMARCA4 protein (p.Arg973Gln). This variant is not present in population databases (gnomAD no frequency). This variant has not been reported in the literature in individuals affected with SMARCA4-related conditions. Advanced modeling of protein sequence and biophysical properties (such as structural, functional, and spatial information, amino acid conservation, physicochemical variation, residue mobility, and thermodynamic stability) performed at Invitae indicates that this missense variant is expected to disrupt SMARCA4 protein function.

Literature cited by the submitters: PubMed 21163964 (cited by Institute for Genomic Medicine (IGM) Clinical Laboratory, Nationwide Children's Hospital); PubMed 28726821 (cited by Institute for Genomic Medicine (IGM) Clinical Laboratory, Nationwide Children's Hospital); PubMed 22820256 (cited by Institute for Genomic Medicine (IGM) Clinical Laboratory, Nationwide Children's Hospital); PubMed 22832583 (cited by Institute for Genomic Medicine (IGM) Clinical Laboratory, Nationwide Children's Hospital); PubMed 22722829 (cited by Institute for Genomic Medicine (IGM) Clinical Laboratory, Nationwide Children's Hospital).